The following is an entry in ClinVar:

ClinVar aggregate classification (germline): Uncertain significance (1 of 4 stars; one submission).

Submission:

GeneDx
Classification: Uncertain significance. Last evaluated: 2024-03-21. Review status: criteria provided, single submitter. Criteria: GeneDx Variant Classification Process June 2021. Collection method: clinical testing. Allele origin: germline. Affected: yes.
Comment: In-frame insertion of 5 amino acids in a non-repeat region; Not observed at significant frequency in large population cohorts (gnomAD); Has not been previously published as pathogenic or benign to our knowledge

NM_001145358.2(SIN3A):c.716_730dup (p.Pro243_Gln244insProGlnProAlaPro)

Gene: SIN3A (SIN3 transcription regulator family member A; minus strand). Cytogenetic location: 15q24.2.
Variant type: Duplication.
Coding change: c.716_730dup on transcript NM_001145358.2 (MANE Select); coding-DNA positions 716 to 730, 15 bases duplicated (CCCAGCCAGCTCCTC).
Protein change: p.Pro243_Gln244insProGlnProAlaPro.
Genome position (GRCh38, 1-based): chr15:75,412,789-75,412,803, GAGGAGCTGGCTGGG duplicated on the plus strand (CCCAGCCAGCTCCTC on the coding strand, the reverse complement: SIN3A is on the minus strand). VCF-style (leftmost placement, unchanged base first): chr15-75412788-T-TGAGGAGCTGGCTGGG. GRCh37 (hg19) VCF-style: chr15-75705129-T-TGAGGAGCTGGCTGGG.
Other names: c.716_730dup, p.Pro243_Gln244insProGlnProAlaPro (NM_001145357.2, NM_015477.3).
Identifiers: ClinVar variation 3371355 (VCV003371355.1).